The following is an entry in ClinVar:

ClinVar aggregate classification (germline): Uncertain significance. Review status: criteria provided, multiple submitters, no conflicts (2 of 4 stars). 2 submissions from 2 submitters: Uncertain significance (2). Last evaluated 2025-12-13.

Conditions:
Inborn genetic diseases. Identifiers: MedGen C0950123, MeSH D030342.

Submissions (2):

Labcorp Genetics (formerly Invitae), Labcorp
Classification: Uncertain significance. Last evaluated: 2025-12-13. Review status: criteria provided, single submitter. Criteria: Invitae Variant Classification Sherloc (09022015). Collection method: clinical testing. Allele origin: germline.
Comment: This sequence change replaces asparagine, which is neutral and polar, with aspartic acid, which is acidic and polar, at codon 62 of the MBD4 protein (p.Asn62Asp). This variant is not present in population databases (gnomAD no frequency). This variant has not been reported in the literature in individuals affected with MBD4-related conditions. ClinVar contains an entry for this variant (Variation ID: 3722365). An algorithm developed to predict the effect of missense changes on protein structure and function outputs the following: PolyPhen-2: "Benign". The aspartic acid amino acid residue is found in multiple mammalian species, which suggests that this missense change does not adversely affect protein function. In summary, the available evidence is currently insufficient to determine the role of this variant in disease. Therefore, it has been classified as a Variant of Uncertain Significance.

Ambry Genetics
Classification: Uncertain significance for Inborn genetic diseases. Last evaluated: 2025-07-19. Review status: criteria provided, single submitter. Criteria: Ambry Variant Classification Scheme 2023. Collection method: clinical testing. Allele origin: germline.
Comment: The p.N62D variant (also known as c.184A>G), located in coding exon 2 of the MBD4 gene, results from an A to G substitution at nucleotide position 184. The asparagine at codon 62 is replaced by aspartic acid, an amino acid with highly similar properties. This amino acid position is conserved. In addition, this alteration is predicted to be tolerated by in silico analysis. Based on the available evidence, the clinical significance of this variant remains unclear.

NM_001276270.2(MBD4):c.184A>G (p.Asn62Asp)

Gene: MBD4 (methyl-CpG binding domain 4, DNA glycosylase; minus strand). Cytogenetic location: 3q21.3.
Variant type: single nucleotide variant.
Coding change: c.184A>G on transcript NM_001276270.2 (MANE Select); coding-DNA position 184, A replaced by G.
Protein change: p.Asn62Asp; replaces asparagine 62 with aspartic acid.
Molecular consequence: missense variant.
Genome position (GRCh38, 1-based): chr3:129,437,871, T>C on the plus strand (A>G on the coding strand, the complement: MBD4 is on the minus strand). VCF-style: chr3-129437871-T-C. GRCh37 (hg19) VCF-style: chr3-129156714-T-C.
Other names: c.184A>G, p.Asn62Asp (NM_001276271.2, NM_001276272.2, NM_001276273.2 and 1 more transcripts); short protein forms N62D.
Identifiers: ClinVar variation 3722365 (VCV003722365.3).